The following is an entry in ClinVar:

NM_144997.7(FLCN):c.612G>A (p.Ala204=)

Gene: FLCN (folliculin; minus strand). Cytogenetic location: 17p11.2.
Variant type: single nucleotide variant.
Coding change: c.612G>A on transcript NM_144997.7 (MANE Select); coding-DNA position 612, G replaced by A.
Protein change: p.Ala204=; no amino-acid change (alanine 204 retained).
Molecular consequence: synonymous variant.
Genome position (GRCh38, 1-based): chr17:17,223,928, C>T on the plus strand (G>A on the coding strand, the complement: FLCN is on the minus strand). VCF-style: chr17-17223928-C-T. GRCh37 (hg19) VCF-style: chr17-17127242-C-T.
Other names: c.666G>A, p.Ala222= (NM_001353229.2); c.612G>A, p.Ala204= (NM_001353230.2, NM_001353231.2, NM_144606.7).
Identifiers: ClinVar variation 826196 (VCV000826196.12), dbSNP rs763168749, ClinGen allele CA8416372.

ClinVar aggregate classification (germline): Benign/Likely benign. Review status: criteria provided, multiple submitters, no conflicts (2 of 4 stars). 3 submissions from 3 submitters: Benign (1); Likely benign (2). Last evaluated 2025-09-22.

Conditions:
Hereditary cancer-predisposing syndrome. Also called: Neoplastic Syndromes, Hereditary; Hereditary Cancer Syndrome; Hereditary neoplastic syndrome; Tumor predisposition. Identifiers: Orphanet 140162, MedGen C0027672, MeSH D009386, MONDO:0015356.
Birt-Hogg-Dube syndrome. Also called: Birt Hogg Dubé syndrome. Identifiers: Orphanet 122, MedGen C0346010, MONDO:0800444.
Birt-Hogg-Dube syndrome 1 (BHD1). Also called: FIBROFOLLICULOMAS WITH TRICHODISCOMAS AND ACROCHORDONS. Identifiers: Orphanet 122, MedGen CN375946, MONDO:0800445, OMIM 135150.

Allele frequency attached by ClinVar (database versions not stated): gnomAD exomes below 0.00001; ExAC 0.00001; gnomAD 0.00001; TOPMed 0.00001.
gnomAD v4.1: 8 of 1,613,190 alleles (0.0005%); highest among the groups gnomAD compares: East Asian, 0.0067%; no homozygotes.

Submissions (3):

Labcorp Genetics (formerly Invitae), Labcorp
Classification: Likely benign for Birt-Hogg-Dube syndrome. Last evaluated: 2025-09-22. Review status: criteria provided, single submitter. Criteria: Invitae Variant Classification Sherloc (09022015). Collection method: clinical testing. Allele origin: germline.

Myriad Genetics, Inc.
Classification: Benign for Birt-Hogg-Dube syndrome 1. Last evaluated: 2024-10-23. Review status: criteria provided, single submitter. Criteria: Myriad Autosomal Dominant, Autosomal Recessive and X-Linked Classification Criteria (2023). Collection method: clinical testing. Allele origin: unknown.
Comment: This variant is considered benign. This variant is a silent/synonymous amino acid change and it is not expected to impact splicing.

Ambry Genetics
Classification: Likely benign for Hereditary cancer-predisposing syndrome. Last evaluated: 2019-05-20. Review status: criteria provided, single submitter. Criteria: Ambry Variant Classification Scheme 2023. Collection method: clinical testing. Allele origin: germline.